The following is an entry in ClinVar:

ClinVar aggregate classification (germline): Uncertain significance (1 of 4 stars; one submission).

Conditions:
Adams-Oliver syndrome 5 (AOS5). Identifiers: Orphanet 974, MedGen C4014970, MONDO:0014459, OMIM 616028.

gnomAD v4.1: 1 of 1,600,948 alleles (0.000062%); highest among the groups gnomAD compares: Non-Finnish European, 0.000085%; no homozygotes.

Submission:

Labcorp Genetics (formerly Invitae), Labcorp
Classification: Uncertain significance for Adams-Oliver syndrome 5. Last evaluated: 2025-08-13. Review status: criteria provided, single submitter. Criteria: Invitae Variant Classification Sherloc (09022015). Collection method: clinical testing. Allele origin: germline.
Comment: This sequence change replaces histidine, which is basic and polar, with tyrosine, which is neutral and polar, at codon 1564 of the NOTCH1 protein (p.His1564Tyr). This variant is not present in population databases (gnomAD no frequency). This variant has not been reported in the literature in individuals affected with NOTCH1-related conditions. ClinVar contains an entry for this variant (Variation ID: 3712469). Invitae Evidence Modeling of protein sequence and biophysical properties (such as structural, functional, and spatial information, amino acid conservation, physicochemical variation, residue mobility, and thermodynamic stability) indicates that this missense variant is not expected to disrupt NOTCH1 protein function with a negative predictive value of 80%. In summary, the available evidence is currently insufficient to determine the role of this variant in disease. Therefore, it has been classified as a Variant of Uncertain Significance.

NM_017617.5(NOTCH1):c.4690C>T (p.His1564Tyr)

Gene: NOTCH1 (notch receptor 1; minus strand). Cytogenetic location: 9q34.3.
Variant type: single nucleotide variant.
Coding change: c.4690C>T on transcript NM_017617.5 (MANE Select); coding-DNA position 4690, C replaced by T.
Protein change: p.His1564Tyr; replaces histidine 1564 with tyrosine.
Molecular consequence: missense variant.
Genome position (GRCh38, 1-based): chr9:136,505,001, G>A on the plus strand (C>T on the coding strand, the complement: NOTCH1 is on the minus strand). VCF-style: chr9-136505001-G-A. GRCh37 (hg19) VCF-style: chr9-139399453-G-A.
Other names: short protein forms H1564Y.
Identifiers: ClinVar variation 3712469 (VCV003712469.2).
Genomic context (GRCh38, chr9:136,505,001, plus strand): 5'-GCTCCGGCGGCATCAGCACCACCACCACCAGCGTGCCGGCCGCCAGCCTCTCGGGTACAT[G>A]CTCCGCACAGTCCAGCCCGTCCCACTCGCACTCCGCGCTGTTGCAGCCCTGGTCGCAGTG-3'
Protein context (NP_060087.3, residues 1554-1574): CEWDGLDCAE[His1564Tyr]VPERLAAGTL